The following is an entry in ClinVar:

NM_001349253.2(SCN11A):c.3485A>G (p.Glu1162Gly)

Gene: SCN11A (sodium voltage-gated channel alpha subunit 11; minus strand). Cytogenetic location: 3p22.2.
Variant type: single nucleotide variant.
Coding change: c.3485A>G on transcript NM_001349253.2 (MANE Select); coding-DNA position 3485, A replaced by G.
Protein change: p.Glu1162Gly; replaces glutamic acid 1162 with glycine.
Molecular consequence: missense variant.
Genome position (GRCh38, 1-based): chr3:38,872,203, T>C on the plus strand (A>G on the coding strand, the complement: SCN11A is on the minus strand). VCF-style: chr3-38872203-T-C. GRCh37 (hg19) VCF-style: chr3-38913694-T-C.
Other names: c.3485A>G, p.Glu1162Gly (NM_014139.3); short protein forms E1162G.
Identifiers: ClinVar variation 577892 (VCV000577892.7), dbSNP rs770327954, ClinGen allele CA2321774.

ClinVar aggregate classification (germline): Uncertain significance. Review status: criteria provided, multiple submitters, no conflicts (2 of 4 stars). 2 submissions from 2 submitters: Uncertain significance (2). Last evaluated 2024-07-10.

Conditions:
Hereditary sensory and autonomic neuropathy type 7. Also called: HSAN VII; Neuropathy, hereditary sensory and autonomic, type VII. Identifiers: Orphanet 391397, MedGen C3809882, MONDO:0014244, OMIM 615548.
Familial episodic pain syndrome with predominantly lower limb involvement. Also called: Episodic pain syndrome, familial, 3. Identifiers: Orphanet 391384, Orphanet 391392, MedGen C3809899, MONDO:0014247, OMIM 615552.
Inborn genetic diseases. Identifiers: MedGen C0950123, MeSH D030342.

Allele frequency attached by ClinVar (database versions not stated): gnomAD 0.00001; ExAC 0.00002; gnomAD exomes 0.00002 and 0.00007; TOPMed 0.00002.
gnomAD v4.1: 107 of 1,590,380 alleles (0.0067%); highest among the groups gnomAD compares: Non-Finnish European, 0.0086%; no homozygotes.

Submissions (2):

Labcorp Genetics (formerly Invitae), Labcorp
Classification: Uncertain significance for Familial episodic pain syndrome with predominantly lower limb involvement; Hereditary sensory and autonomic neuropathy type 7. Last evaluated: 2024-07-10. Review status: criteria provided, single submitter. Criteria: Invitae Variant Classification Sherloc (09022015). Collection method: clinical testing. Allele origin: germline.
Comment: This sequence change replaces glutamic acid, which is acidic and polar, with glycine, which is neutral and non-polar, at codon 1162 of the SCN11A protein (p.Glu1162Gly). This variant is present in population databases (rs770327954, gnomAD 0.007%). This variant has not been reported in the literature in individuals affected with SCN11A-related conditions. ClinVar contains an entry for this variant (Variation ID: 577892). Advanced modeling of protein sequence and biophysical properties (such as structural, functional, and spatial information, amino acid conservation, physicochemical variation, residue mobility, and thermodynamic stability) performed at Invitae indicates that this missense variant is expected to disrupt SCN11A protein function with a positive predictive value of 80%. In summary, the available evidence is currently insufficient to determine the role of this variant in disease. Therefore, it has been classified as a Variant of Uncertain Significance.

Ambry Genetics
Classification: Uncertain significance for Inborn genetic diseases. Last evaluated: 2023-11-27. Review status: criteria provided, single submitter. Criteria: Ambry Variant Classification Scheme 2023. Collection method: clinical testing. Allele origin: germline.
Comment: The c.3485A>G (p.E1162G) alteration is located in exon 20 (coding exon 20) of the SCN11A gene. This alteration results from a A to G substitution at nucleotide position 3485, causing the glutamic acid (E) at amino acid position 1162 to be replaced by a glycine (G). The alteration has been observed in population databases: Based on data from the Genome Aggregation Database (gnomAD), the c.3485A>G alteration was observed in 0.002% (6/250538) of total alleles studied, with a frequency of 0.004% (5/113100) in the European (non-Finnish) subpopulation. This amino acid position is highly conserved in available vertebrate species. The alteration is predicted inconclusive by in silico modeling:_x000D_ _x000D_ The in silico prediction for the p.E1162G alteration is inconclusive. Based on insufficient or conflicting evidence, the clinical significance of this alteration remains unclear.